The following is an entry in ClinVar:

NM_014159.7(SETD2):c.1027G>A (p.Ala343Thr)

Gene: SETD2 (SET domain containing 2, histone lysine methyltransferase; minus strand). Cytogenetic location: 3p21.31.
Variant type: single nucleotide variant.
Coding change: c.1027G>A on transcript NM_014159.7 (MANE Select); coding-DNA position 1027, G replaced by A.
Protein change: p.Ala343Thr; replaces alanine 343 with threonine.
Molecular consequence: missense variant. On other transcripts: non-coding transcript variant (1).
Genome position (GRCh38, 1-based): chr3:47,123,609, C>T on the plus strand (G>A on the coding strand, the complement: SETD2 is on the minus strand). VCF-style: chr3-47123609-C-T. GRCh37 (hg19) VCF-style: chr3-47165099-C-T.
Other names: c.895G>A, p.Ala299Thr (NM_001349370.3); short protein forms A299T, A343T.
Identifiers: ClinVar variation 4278635 (VCV004278635.1).

ClinVar aggregate classification (germline): Likely benign (1 of 4 stars; one submission).

Submission:

GeneDx
Classification: Likely benign. Last evaluated: 2025-04-02. Review status: criteria provided, single submitter. Criteria: GeneDx Variant Classification Process June 2021. Collection method: clinical testing. Allele origin: germline. Affected: yes.
Comment: See Variant Classification Assertion Criteria.